The following is an entry in ClinVar:

NM_058216.3(RAD51C):c.536A>G (p.His179Arg)

Gene: RAD51C (RAD51 paralog C; plus strand). Cytogenetic location: 17q22.
Variant type: single nucleotide variant.
Coding change: c.536A>G on transcript NM_058216.3 (MANE Select); coding-DNA position 536, A replaced by G.
Protein change: p.His179Arg; replaces histidine 179 with arginine.
Molecular consequence: missense variant.
Genome position (GRCh38, 1-based): chr17:58,696,824, A>G. VCF-style: chr17-58696824-A-G. GRCh37 (hg19) VCF-style: chr17-56774185-A-G.
Other names: c.536A>G (LRG_314t1); short protein forms H179R.
Identifiers: ClinVar variation 421223 (VCV000421223.25), dbSNP rs1064794989, ClinGen allele CA16620498.

ClinVar aggregate classification (germline): Uncertain significance. Review status: criteria provided, multiple submitters, no conflicts (2 of 4 stars). 6 submissions from 6 submitters: Uncertain significance (6). Last evaluated 2025-11-09.

Conditions:
Hereditary cancer-predisposing syndrome. Also called: Hereditary neoplastic syndrome; Hereditary Cancer Syndrome; Neoplastic Syndromes, Hereditary; Tumor predisposition. Identifiers: Orphanet 140162, MedGen C0027672, MeSH D009386, MONDO:0015356.
Fanconi anemia complementation group O. Also called: RAD51C-Related Fanconi Anemia. Identifiers: Orphanet 84, MedGen C3150653, MONDO:0013248, OMIM 613390.

Allele frequency attached by ClinVar (database versions not stated): gnomAD exomes below 0.00001; TOPMed below 0.00001; gnomAD 0.00001.
gnomAD v4.1: 7 of 1,614,076 alleles (0.00043%); highest among the groups gnomAD compares: Non-Finnish European, 0.00059%; no homozygotes.

Submissions (6):

Labcorp Genetics (formerly Invitae), Labcorp
Classification: Uncertain significance for Fanconi anemia complementation group O. Last evaluated: 2025-11-09. Review status: criteria provided, single submitter. Criteria: Invitae Variant Classification Sherloc (09022015). Collection method: clinical testing. Allele origin: germline.
Comment: This sequence change replaces histidine, which is basic and polar, with arginine, which is basic and polar, at codon 179 of the RAD51C protein (p.His179Arg). This variant is not present in population databases (gnomAD no frequency). This missense change has been observed in individual(s) with breast cancer (PMID: 35534704). ClinVar contains an entry for this variant (Variation ID: 421223). An algorithm developed to predict the effect of missense changes on protein structure and function (PolyPhen-2) suggests that this variant is likely to be disruptive. In summary, the available evidence is currently insufficient to determine the role of this variant in disease. Therefore, it has been classified as a Variant of Uncertain Significance.

Ambry Genetics
Classification: Uncertain significance for Hereditary cancer-predisposing syndrome. Last evaluated: 2025-04-17. Review status: criteria provided, single submitter. Criteria: Ambry Variant Classification Scheme 2023. Collection method: clinical testing. Allele origin: germline.
Comment: The p.H179R variant (also known as c.536A>G), located in coding exon 3 of the RAD51C gene, results from an A to G substitution at nucleotide position 536. The histidine at codon 179 is replaced by arginine, an amino acid with highly similar properties. This variant was identified in a breast cancer patient with a family history of colorectal cancer (de Oliveira JM et al. Eur J Hum Genet, 2022 Jul;30:818-823). This amino acid position is highly conserved in available vertebrate species. In addition, the in silico prediction for this alteration is inconclusive. Based on the available evidence, the clinical significance of this variant remains unclear.

Quest Diagnostics Nichols Institute San Juan Capistrano
Classification: Uncertain significance. Last evaluated: 2024-08-02. Review status: criteria provided, single submitter. Criteria: Quest Diagnostics criteria. Collection method: clinical testing. Allele origin: unknown.

Color Diagnostics, LLC DBA Color Health
Classification: Uncertain significance for Hereditary cancer-predisposing syndrome. Last evaluated: 2023-12-04. Review status: criteria provided, single submitter. Criteria: ACMG Guidelines, 2015. Collection method: clinical testing. Allele origin: germline.
Comment: This missense variant replaces histidine with arginine at codon 179 of the RAD51C protein. Computational prediction suggests that this variant may not impact protein structure and function (internally defined REVEL score threshold <= 0.5, PMID: 27666373). To our knowledge, functional studies have not been reported for this variant. This variant has not been reported in individuals affected with RAD51C-related disorders in the literature. This variant has not been identified in the general population by the Genome Aggregation Database (gnomAD). The available evidence is insufficient to determine the role of this variant in disease conclusively. Therefore, this variant is classified as a Variant of Uncertain Significance.

Sema4
Classification: Uncertain significance for Hereditary cancer-predisposing syndrome. Last evaluated: 2021-11-12. Review status: criteria provided, single submitter. Criteria: Sema4 Curation Guidelines. Collection method: curation. Allele origin: germline.
Comment: To the best of our knowledge, the RAD51C c.536A>G (p.H179R) variant has not been reported in individuals with RAD51C-related disease. This variant is not reported in the population database Genome Aggregation Database (PMID: 32461654), but has been reported in ClinVar (Variation ID: 421223). Functional studies have not been performed, and in silico predictions of the variant's effect on protein function are inconclusive. Based on the current evidence available, this variant is interpreted as a variant of uncertain significance.

GeneDx
Classification: Uncertain significance. Last evaluated: 2021-01-18. Review status: criteria provided, single submitter. Criteria: GeneDx Variant Classification Process June 2021. Collection method: clinical testing. Allele origin: germline. Affected: yes.
Comment: Not observed in large population cohorts (Lek 2016); In silico analysis supports that this missense variant has a deleterious effect on protein structure/function; Has not been previously published as pathogenic or benign to our knowledge

Literature cited by the submitters: PubMed 35534704 (cited by 3 submitters); PubMed 33471991 (cited by Quest Diagnostics Nichols Institute San Juan Capistrano).